The following is an entry in ClinVar:

NM_001197104.2(KMT2A):c.3541G>C (p.Gly1181Arg)

Gene: KMT2A (lysine methyltransferase 2A; plus strand). Cytogenetic location: 11q23.3.
Variant type: single nucleotide variant.
Coding change: c.3541G>C on transcript NM_001197104.2 (MANE Select); coding-DNA position 3541, G replaced by C.
Protein change: p.Gly1181Arg; replaces glycine 1181 with arginine.
Molecular consequence: missense variant.
Genome position (GRCh38, 1-based): chr11:118,478,173, G>C. VCF-style: chr11-118478173-G-C. GRCh37 (hg19) VCF-style: chr11-118348888-G-C.
Other names: c.3541G>C, p.Gly1181Arg (NM_005933.4); short protein forms G1181R.
Identifiers: ClinVar variation 1465783 (VCV001465783.6), dbSNP rs1950071303, ClinGen allele CA382825147.
Genomic context (GRCh38, chr11:118,478,173, plus strand): 5'-TGCCAGGTGCCTGAGGACTGTGGTGTTTGTACTAATTGCTTAGATAAGCCCAAGTTTGGT[G>C]GTCGCAATATAAAGAAGCAGTGCTGCAAGTAAGTGGGTGTTTCACTCTGAGATGTTGACC-3'
Protein context (NP_001184033.1, residues 1171-1191): TNCLDKPKFG[Gly1181Arg]RNIKKQCCKM

ClinVar aggregate classification (germline): Likely pathogenic (1 of 4 stars; one submission).

Submission:

Labcorp Genetics (formerly Invitae), Labcorp
Classification: Likely pathogenic. Last evaluated: 2024-11-11. Review status: criteria provided, single submitter. Criteria: Invitae Variant Classification Sherloc (09022015). Collection method: clinical testing. Allele origin: germline.
Comment: This sequence change replaces glycine, which is neutral and non-polar, with arginine, which is basic and polar, at codon 1181 of the KMT2A protein (p.Gly1181Arg). This variant is not present in population databases (gnomAD no frequency). This variant has not been reported in the literature in individuals affected with KMT2A-related conditions. ClinVar contains an entry for this variant (Variation ID: 1465783). Invitae Evidence Modeling of protein sequence and biophysical properties (such as structural, functional, and spatial information, amino acid conservation, physicochemical variation, residue mobility, and thermodynamic stability) indicates that this missense variant is expected to disrupt KMT2A protein function with a positive predictive value of 95%. This variant disrupts the p.Gly1181 amino acid residue in KMT2A. Other variant(s) that disrupt this residue have been determined to be pathogenic (internal data). This suggests that this residue is clinically significant, and that variants that disrupt this residue are likely to be disease-causing. In summary, the currently available evidence indicates that the variant is pathogenic, but additional data are needed to prove that conclusively. Therefore, this variant has been classified as Likely Pathogenic.